The following is an entry in ClinVar:

NM_001130823.3(DNMT1):c.1080G>A (p.Met360Ile)

Gene: DNMT1 (DNA methyltransferase 1; minus strand). Cytogenetic location: 19p13.2.
Variant type: single nucleotide variant.
Coding change: c.1080G>A on transcript NM_001130823.3 (MANE Select); coding-DNA position 1080, G replaced by A.
Protein change: p.Met360Ile; replaces methionine 360 with isoleucine.
Molecular consequence: missense variant.
Genome position (GRCh38, 1-based): chr19:10,160,027, C>T on the plus strand (G>A on the coding strand, the complement: DNMT1 is on the minus strand). VCF-style: chr19-10160027-C-T. GRCh37 (hg19) VCF-style: chr19-10270703-C-T.
Other names: c.1080G>A (LRG_362t1); c.1032G>A, p.Met344Ile (NM_001318730.2, NM_001379.4); c.717G>A, p.Met239Ile (NM_001318731.2); short protein forms M360I, M344I, M239I.
Identifiers: ClinVar variation 423461 (VCV000423461.9), dbSNP rs1064796441, ClinGen allele CA16620722.

ClinVar aggregate classification (germline): Uncertain significance. Review status: criteria provided, multiple submitters, no conflicts (2 of 4 stars). 2 submissions from 2 submitters: Uncertain significance (2). Last evaluated 2021-02-19.

Conditions:
Hereditary sensory neuropathy-deafness-dementia syndrome. Also called: HSN IE; Hereditary sensory neuropathy type IE; NEUROPATHY, HEREDITARY SENSORY, WITH HEARING LOSS AND DEMENTIA; Hereditary Sensory and Autonomic Neuropathy Type 1E (HSAN1E). Identifiers: Orphanet 456318, MedGen C3279885, MONDO:0013584, OMIM 614116.

Submissions (2):

Labcorp Genetics (formerly Invitae), Labcorp
Classification: Uncertain significance for Hereditary sensory neuropathy-deafness-dementia syndrome. Last evaluated: 2021-02-19. Review status: criteria provided, single submitter. Criteria: Invitae Variant Classification Sherloc (09022015). Collection method: clinical testing. Allele origin: germline.
Comment: This variant is not present in population databases (ExAC no frequency). In summary, the available evidence is currently insufficient to determine the role of this variant in disease. Therefore, it has been classified as a Variant of Uncertain Significance. Algorithms developed to predict the effect of missense changes on protein structure and function (SIFT, PolyPhen-2, Align-GVGD) all suggest that this variant is likely to be tolerated, but these predictions have not been confirmed by published functional studies and their clinical significance is uncertain. This variant has not been reported in the literature in individuals with DNMT1-related conditions. ClinVar contains an entry for this variant (Variation ID: 423461). This sequence change replaces methionine with isoleucine at codon 360 of the DNMT1 protein (p.Met360Ile). The methionine residue is weakly conserved and there is a small physicochemical difference between methionine and isoleucine.

GeneDx
Classification: Uncertain significance. Last evaluated: 2017-02-13. Review status: criteria provided, single submitter. Criteria: GeneDx Variant Classification (06012015). Collection method: clinical testing. Allele origin: germline. Affected: yes.
Comment: A variant of uncertain significance has been identified in the DNMT1 gene. The M360I variant has not been published as a pathogenic variant, nor has it been reported as a benign variant to our knowledge. The M360I variant is not observed in large population cohorts (Lek et al., 2016; 1000 Genomes Consortium et al., 2015; Exome Variant Server). The M360I variant is a conservative amino acid substitution, which is not likely to impact secondary protein structure as these residues share similar properties. This substitution occurs at a position that is not conserved and in silico analysis predicts this variant likely does not alter the protein structure/function. Based on the currently available information, it is unclear whether this variant is a pathogenic variant or a rare benign variant.